The following is an entry in ClinVar:

NM_004360.5(CDH1):c.2076_2077del (p.Gly693fs)

Gene: CDH1 (cadherin 1; plus strand). Cytogenetic location: 16q22.1.
Variant type: Deletion.
Coding change: c.2076_2077del on transcript NM_004360.5 (MANE Select); coding-DNA positions 2076 to 2077, 2 bases deleted (TG; older notation c.2076_2077delTG).
Protein change: p.Gly693fs; shifts the reading frame from glycine 693.
Molecular consequence: frameshift variant.
Genome position (GRCh38, 1-based): chr16:68,823,538-68,823,539, TG deleted. VCF-style (leftmost placement, unchanged base first): chr16-68823537-CTG-C. GRCh37 (hg19) VCF-style: chr16-68857440-CTG-C.
Other names: NM_004360.5(CDH1):c.2076_2077del; p.Gly693fs; c.2076_2077del (LRG_301t1); c.1893_1894del, p.Gly632fs (NM_001317184.2); c.528_529del, p.Gly177fs (NM_001317185.2); c.111_112del, p.Gly38fs (NM_001317186.2); short protein forms G38fs, G632fs, G177fs, G693fs.
Identifiers: ClinVar variation 1292056 (VCV001292056.1), dbSNP rs876661133, ClinGen allele CA10577549.

ClinVar aggregate classification (germline): Pathogenic (3 of 4 stars; one submission).

Conditions:
CDH1-related diffuse gastric and lobular breast cancer syndrome. Also called: CDH1-related diffuse gastric and lobular breast cancer. Identifiers: MedGen CN311521, MONDO:0100488.

Submission:

Clingen Gastric Cancer Variant Curation Expert Panel
Classification: Pathogenic for CDH1-related diffuse gastric and lobular breast cancer syndrome. Last evaluated: 2023-08-04. Review status: reviewed by expert panel. Criteria: ClinGen CDH1 ACMG Specifications V3.1. Collection method: curation. Allele origin: germline. Inheritance: Autosomal dominant inheritance.
Comment: The c.2076_2077del p.(Gly693fs) variant is predicted to result in a premature stop codon that leads to nonsense mediate decay (PVS1 and PM5_supporting). The variant is absent in the gnomAD cohort (PM2_supporting). Therefore, this variant meets criteria to be classified as pathogenic based on the ACMG/AMP criteria applied as specified by the CDH1 Variant Curation Expert Panel (CDH1 VCEP specifications version 3.1): PVS1, PM2_supporting, PM5_supporting.